The following is an entry in ClinVar:

NM_004329.3(BMPR1A):c.525T>C (p.Cys175=)

Gene: BMPR1A (bone morphogenetic protein receptor type 1A; plus strand). Cytogenetic location: 10q23.2.
Variant type: single nucleotide variant.
Coding change: c.525T>C on transcript NM_004329.3 (MANE Select); coding-DNA position 525, T replaced by C.
Protein change: p.Cys175=; no amino-acid change (cysteine 175 retained).
Molecular consequence: synonymous variant. On other transcripts: non-coding transcript variant (3), intron variant (1).
Genome position (GRCh38, 1-based): chr10:86,900,121, T>C. VCF-style: chr10-86900121-T-C. GRCh37 (hg19) VCF-style: chr10-88659878-T-C.
Other names: c.525T>C, p.Cys175= (NM_001406570.1, NM_001406571.1, NM_001406572.1 and 22 more transcripts); c.441T>C, p.Cys147= (NM_001406584.1, NM_001406585.1, NM_001406586.1 and 2 more transcripts); c.333+7892T>C (NM_001406589.1).
Identifiers: ClinVar variation 3379290 (VCV003379290.1).

ClinVar aggregate classification (germline): Benign (1 of 4 stars; one submission).

Conditions:
Juvenile polyposis syndrome (JPS). Identifiers: Orphanet 2929, MedGen C0345893, MONDO:0017380, OMIM 174900.

Submission:

Myriad Genetics, Inc.
Classification: Benign for Juvenile polyposis syndrome. Last evaluated: 2024-08-01. Review status: criteria provided, single submitter. Criteria: Myriad Autosomal Dominant, Autosomal Recessive and X-Linked Classification Criteria (2023). Collection method: clinical testing. Allele origin: unknown.
Comment: This variant is considered benign. This variant is a silent/synonymous amino acid change and it is not expected to impact splicing.